The following is an entry in ClinVar:

ClinVar aggregate classification (germline): Uncertain significance. Review status: criteria provided, multiple submitters, no conflicts (2 of 4 stars). 4 submissions from 4 submitters: Uncertain significance (4). Last evaluated 2026-02-02.

Conditions:
PDE6B-related disorder. Also called: PDE6B-related disease; PDE6B-related condition; PDE6B-related disorders.
Inborn genetic diseases. Identifiers: MedGen C0950123, MeSH D030342.

Allele frequency attached by ClinVar (database versions not stated): gnomAD exomes 0.00002; ExAC 0.00003; TOPMed 0.00005; gnomAD 0.00006; ESP Exome Variant Server 0.00008.
gnomAD v4.1: 42 of 1,612,924 alleles (0.0026%); highest among the groups gnomAD compares: African/African-American, 0.023%; no homozygotes.

Submissions (4):

Labcorp Genetics (formerly Invitae), Labcorp
Classification: Uncertain significance. Last evaluated: 2026-02-02. Review status: criteria provided, single submitter. Criteria: Invitae Variant Classification Sherloc (09022015). Collection method: clinical testing. Allele origin: germline.
Comment: This sequence change replaces valine, which is neutral and non-polar, with isoleucine, which is neutral and non-polar, at codon 389 of the PDE6B protein (p.Val389Ile). This variant is present in population databases (rs149477100, gnomAD 0.01%). This variant has not been reported in the literature in individuals affected with PDE6B-related conditions. ClinVar contains an entry for this variant (Variation ID: 1056528). Invitae Evidence Modeling of protein sequence and biophysical properties (such as structural, functional, and spatial information, amino acid conservation, physicochemical variation, residue mobility, and thermodynamic stability) indicates that this missense variant is not expected to disrupt PDE6B protein function with a negative predictive value of 80%. In summary, the available evidence is currently insufficient to determine the role of this variant in disease. Therefore, it has been classified as a Variant of Uncertain Significance.

Ambry Genetics
Classification: Uncertain significance for Inborn genetic diseases. Last evaluated: 2025-07-02. Review status: criteria provided, single submitter. Criteria: Ambry Variant Classification Scheme 2023. Collection method: clinical testing. Allele origin: germline.

PreventionGenetics, part of Exact Sciences
Classification: Uncertain significance for PDE6B-related condition. Last evaluated: 2025-05-07. Review status: criteria provided, single submitter. Criteria: ACMG Guidelines, 2015. Collection method: clinical testing. Allele origin: germline.
Comment: The PDE6B c.1165G>A variant is predicted to result in the amino acid substitution p.Val389Ile. To our knowledge, this variant has not been reported in the literature. This variant is reported in 0.016% of alleles in individuals of African descent in gnomAD. At this time, the clinical significance of this variant is uncertain due to the absence of conclusive functional and genetic evidence.

Blueprint Genetics
Classification: Uncertain significance. Last evaluated: 2023-09-13. Review status: criteria provided, single submitter. Criteria: ACMG Guidelines, 2015. Collection method: clinical testing. Allele origin: germline.

NM_000283.4(PDE6B):c.1165G>A (p.Val389Ile)

Gene: PDE6B (phosphodiesterase 6B; plus strand). Cytogenetic location: 4p16.3.
Variant type: single nucleotide variant.
Coding change: c.1165G>A on transcript NM_000283.4 (MANE Select); coding-DNA position 1165, G replaced by A.
Protein change: p.Val389Ile; replaces valine 389 with isoleucine.
Molecular consequence: missense variant.
Genome position (GRCh38, 1-based): chr4:656,931, G>A. VCF-style: chr4-656931-G-A. GRCh37 (hg19) VCF-style: chr4-650720-G-A.
Other names: c.1165G>A (NM_000283.3); c.1165G>A, p.Val389Ile (NM_001145291.2); c.328G>A, p.Val110Ile (NM_001145292.2, NM_001350154.3, NM_001379246.1 and 1 more transcripts); c.10G>A, p.Val4Ile (NM_001350155.3); short protein forms V110I, V389I, V4I.
Identifiers: ClinVar variation 1056528 (VCV001056528.16), dbSNP rs149477100, ClinGen allele CA2794380.